The following is an entry in ClinVar:

NM_000245.4(MET):c.1912A>G (p.Ile638Val)

Gene: MET (MET proto-oncogene, receptor tyrosine kinase; plus strand). Cytogenetic location: 7q31.2.
Variant type: single nucleotide variant.
Coding change: c.1912A>G on transcript NM_000245.4 (MANE Select); coding-DNA position 1912, A replaced by G.
Protein change: p.Ile638Val; replaces isoleucine 638 with valine.
Molecular consequence: missense variant.
Genome position (GRCh38, 1-based): chr7:116,757,486, A>G. VCF-style: chr7-116757486-A-G. GRCh37 (hg19) VCF-style: chr7-116397540-A-G.
Other names: c.1912A>G, p.Ile638Val (NM_001127500.3, NM_001324401.3); c.622A>G, p.Ile208Val (NM_001324402.2); short protein forms I638V, I208V.
Identifiers: ClinVar variation 411893 (VCV000411893.14), dbSNP rs1060503536, ClinGen allele CA16612149.

ClinVar aggregate classification (germline): Conflicting classifications of pathogenicity. Review status: criteria provided, conflicting classifications (1 of 4 stars). 2 submissions from 2 submitters: Uncertain significance (1); Likely benign (1). Last evaluated 2026-01-12.

Conditions:
Renal cell carcinoma. Identifiers: Orphanet 217071, MedGen C0007134, MeSH D002292, MONDO:0005086, HP:0005584.
Hereditary cancer-predisposing syndrome. Also called: Tumor predisposition; Hereditary Cancer Syndrome; Hereditary neoplastic syndrome; Neoplastic Syndromes, Hereditary. Identifiers: Orphanet 140162, MedGen C0027672, MeSH D009386, MONDO:0015356.

Submissions (2):

Labcorp Genetics (formerly Invitae), Labcorp
Classification: Uncertain significance for Renal cell carcinoma. Last evaluated: 2026-01-12. Review status: criteria provided, single submitter. Criteria: Invitae Variant Classification Sherloc (09022015). Collection method: clinical testing. Allele origin: germline.
Comment: This sequence change replaces isoleucine, which is neutral and non-polar, with valine, which is neutral and non-polar, at codon 638 of the MET protein (p.Ile638Val). This variant is not present in population databases (gnomAD no frequency). This missense change has been observed in individual(s) with breast cancer and ovarian cancer (PMID: 30093976). ClinVar contains an entry for this variant (Variation ID: 411893). Invitae Evidence Modeling of protein sequence and biophysical properties (such as structural, functional, and spatial information, amino acid conservation, physicochemical variation, residue mobility, and thermodynamic stability) indicates that this missense variant is not expected to disrupt MET protein function with a negative predictive value of 80%. In summary, the available evidence is currently insufficient to determine the role of this variant in disease. Therefore, it has been classified as a Variant of Uncertain Significance.

Ambry Genetics
Classification: Likely benign for Hereditary cancer-predisposing syndrome. Last evaluated: 2023-11-19. Review status: criteria provided, single submitter. Criteria: Ambry Variant Classification Scheme 2023. Collection method: clinical testing. Allele origin: germline.

Literature cited by the submitters: PubMed 30093976 (cited by Labcorp Genetics (formerly Invitae), Labcorp and Ambry Genetics).